The following is an entry in ClinVar:

NM_001371904.1(APOA5):c.49+5G>T

Genes: APOA5 (apolipoprotein A5; minus strand), LOC108491825 (enhancer-blocking element 11-1-2 overlapping APOA5; plus strand). Cytogenetic location: 11q23.3.
Variant type: single nucleotide variant.
Coding change: c.49+5G>T on transcript NM_001371904.1 (MANE Select); 5 bases into the intron after coding-DNA position 49, G replaced by T.
Molecular consequence: intron variant.
Genome position (GRCh38, 1-based): chr11:116,791,807, C>A on the plus strand (G>T on the coding strand, the complement: APOA5 is on the minus strand). VCF-style: chr11-116791807-C-A. GRCh37 (hg19) VCF-style: chr11-116662523-C-A.
Other names: c.49+5G>T (NM_001166598.2, NM_052968.5).
Identifiers: ClinVar variation 2710449 (VCV002710449.3), dbSNP rs1565325680, ClinGen allele CA2002742113.
Genomic context (GRCh38, chr11:116,791,807, plus strand): 5'-TGGACAGGGCCCTCTGGCCAGCCTCCACCCACACCCCCACGTTGAAGTCAGGGTCGGAGA[C>A]CCACCTGAAAGAAGAGCCAGAGCCCAGGTGAGCACGGCAGCCATGCTTGCCATTACCTGC-3'

ClinVar aggregate classification (germline): Uncertain significance (1 of 4 stars; one submission).

Submission:

Labcorp Genetics (formerly Invitae), Labcorp
Classification: Uncertain significance. Last evaluated: 2024-01-20. Review status: criteria provided, single submitter. Criteria: Invitae Variant Classification Sherloc (09022015). Collection method: clinical testing. Allele origin: germline.
Comment: This sequence change falls in intron 2 of the APOA5 gene. It does not directly change the encoded amino acid sequence of the APOA5 protein. It affects a nucleotide within the consensus splice site. This variant is not present in population databases (gnomAD no frequency). This variant has not been reported in the literature in individuals affected with APOA5-related conditions. Variants that disrupt the consensus splice site are a relatively common cause of aberrant splicing (PMID: 17576681, 9536098). Algorithms developed to predict the effect of sequence changes on RNA splicing suggest that this variant may disrupt the consensus splice site. In summary, the available evidence is currently insufficient to determine the role of this variant in disease. Therefore, it has been classified as a Variant of Uncertain Significance.

Literature cited by the submitters: PubMed 17576681; PubMed 9536098.